The following is an entry in ClinVar:

ClinVar aggregate classification (germline): Uncertain significance. Review status: criteria provided, multiple submitters, no conflicts (2 of 4 stars). 4 submissions from 4 submitters: Uncertain significance (4). Last evaluated 2025-08-27.

Conditions:
MARS1-related disorder. Also called: MARS1-related condition.
Severe early-onset pulmonary alveolar proteinosis due to MARS deficiency. Also called: Interstitial lung and liver disease; PULMONARY ALVEOLAR PROTEINOSIS, REUNION ISLAND. Identifiers: Orphanet 440427, MedGen C4225400, MONDO:0014206, OMIM 615486.
Charcot-Marie-Tooth disease axonal type 2U. Also called: CHARCOT-MARIE-TOOTH NEUROPATHY, TYPE 2U; CHARCOT-MARIE-TOOTH DISEASE, AXONAL, AUTOSOMAL DOMINANT, TYPE 2U. Identifiers: Orphanet 397735, MedGen C4084821, MONDO:0014566, OMIM 616280.

Allele frequency attached by ClinVar (database versions not stated): gnomAD 0.00003 and 0.00004; gnomAD exomes 0.00003 and 0.00004; ExAC 0.00004; TOPMed 0.00004; ESP Exome Variant Server 0.00015; 1000 Genomes Project 30x 0.00016; 1000 Genomes Project 0.00020.
gnomAD v4.1: 48 of 1,614,138 alleles (0.003%); highest among the groups gnomAD compares: African/African-American, 0.02%; no homozygotes.

Submissions (4):

PreventionGenetics, part of Exact Sciences
Classification: Uncertain significance for MARS1-related condition. Last evaluated: 2025-08-27. Review status: criteria provided, single submitter. Criteria: ACMG Guidelines, 2015. Collection method: clinical testing. Allele origin: germline.
Comment: The MARS1 c.854T>C variant is predicted to result in the amino acid substitution p.Ile285Thr. This variant was reported in the homozygous state in an individual with pulmonary alveolar proteinosis (Alzaid et al. 2019. PubMed ID: 30723866). This variant is reported in 0.040% of alleles in individuals of African descent in gnomAD. Although we suspect that this variant may be pathogenic, at this time, the clinical significance of this variant is uncertain due to the absence of conclusive functional and genetic evidence.

Labcorp Genetics (formerly Invitae), Labcorp
Classification: Uncertain significance for Charcot-Marie-Tooth disease axonal type 2U; Severe early-onset pulmonary alveolar proteinosis due to MARS deficiency. Last evaluated: 2024-09-26. Review status: criteria provided, single submitter. Criteria: Invitae Variant Classification Sherloc (09022015). Collection method: clinical testing. Allele origin: germline.
Comment: This sequence change replaces isoleucine, which is neutral and non-polar, with threonine, which is neutral and polar, at codon 285 of the MARS protein (p.Ile285Thr). This variant is present in population databases (rs141105798, gnomAD 0.03%). This missense change has been observed in individual(s) with clinical features of interstitial lung and liver disease (PMID: 30723866). ClinVar contains an entry for this variant (Variation ID: 450780). An algorithm developed to predict the effect of missense changes on protein structure and function (PolyPhen-2) suggests that this variant is likely to be disruptive. In summary, the available evidence is currently insufficient to determine the role of this variant in disease. Therefore, it has been classified as a Variant of Uncertain Significance.

Neuberg Centre For Genomic Medicine, NCGM
Classification: Uncertain significance for Severe early-onset pulmonary alveolar proteinosis due to MARS deficiency. Last evaluated: 2023-05-20. Review status: criteria provided, single submitter. Criteria: ACMG Guidelines, 2015. Collection method: clinical testing. Allele origin: germline. Inheritance: Autosomal recessive inheritance. Affected: yes.
Comment: The observed missense c.854T>C(p.Ile285Thr) variant in MARS1 gene has been reported previously in homozygous state in individuals(s) affected with interstitial lung and liver disease (Alzaid M, et al., 2019). The p.Ile285Thr variant has been reported with allele frequency of 0.004% in gnomAD Exomes. This variant has been reported to the ClinVar database as Uncertain Significance. Multiple lines of computational evidences (Polyphen - Probably damaging, SIFT - Damaging and MutationTaster - Disease causing) predict a damaging effect on protein structure and function for this variant. The reference amino acid is predicted as conserved by GERP++ and PhyloP across 100 vertebrates. The amino acid Ile at position 285 is changed to a Thr changing protein sequence and it might alter its composition and physico-chemical properties. For these reasons, this variant has been classified as a Variant of Uncertain Significance (VUS).

GeneDx
Classification: Uncertain significance. Last evaluated: 2017-08-01. Review status: criteria provided, single submitter. Criteria: GeneDx Variant Classification (06012015). Collection method: clinical testing. Allele origin: germline. Affected: yes.
Comment: The I285T variant in the MARS gene has not been reported previously as a pathogenic variant, nor as a benign variant, to our knowledge. The I285T variant is observed in 5/10406 (0.05%) alleles from individuals of African background in the ExAC dataset, and no individuals were reported to be homozygous (Lek et al., 2016). The I285T variant is a non-conservative amino acid substitution, which is likely to impact secondary protein structure as these residues differ in polarity, charge, size and/or other properties. This substitution occurs at a position that is conserved across species. In silico analysis predicts this variant is probably damaging to the protein structure/function. We interpret I285T as a variant of uncertain significance.

Literature cited by the submitters: PubMed 30723866 (cited by Labcorp Genetics (formerly Invitae), Labcorp).

NM_004990.4(MARS1):c.854T>C (p.Ile285Thr)

Gene: MARS1 (methionyl-tRNA synthetase 1; plus strand). Cytogenetic location: 12q13.3.
Variant type: single nucleotide variant.
Coding change: c.854T>C on transcript NM_004990.4 (MANE Select); coding-DNA position 854, T replaced by C.
Protein change: p.Ile285Thr; replaces isoleucine 285 with threonine.
Molecular consequence: missense variant.
Genome position (GRCh38, 1-based): chr12:57,498,240, T>C. VCF-style: chr12-57498240-T-C. GRCh37 (hg19) VCF-style: chr12-57892023-T-C.
Other names: short protein forms I285T.
Identifiers: ClinVar variation 450780 (VCV000450780.12), dbSNP rs141105798, ClinGen allele CA6650317.